The following is an entry in ClinVar:

ClinVar aggregate classification (germline): Uncertain significance. Review status: criteria provided, multiple submitters, no conflicts (2 of 4 stars). 3 submissions from 3 submitters: Uncertain significance (3). Last evaluated 2023-11-09.

Conditions:
Exostoses, multiple, type 2 (EXT2). Also called: Hereditary Multiple Osteochondromatosis, Type II; EXOSTOSES, MULTIPLE, TYPE II. Identifiers: Orphanet 321, MedGen C1851413, MONDO:0007586, OMIM 133701.

Allele frequency attached by ClinVar (database versions not stated): gnomAD exomes below 0.00001 and 0.00001.
gnomAD v4.1: 3 of 1,614,190 alleles (0.00019%); highest among the groups gnomAD compares: Non-Finnish European, 0.00025%; no homozygotes.

Submissions (3):

Baylor Genetics
Classification: Uncertain significance for Exostoses, multiple, type 2. Last evaluated: 2023-11-09. Review status: criteria provided, single submitter. Criteria: ACMG Guidelines, 2015. Collection method: clinical testing. Allele origin: unknown.

Labcorp Genetics (formerly Invitae), Labcorp
Classification: Uncertain significance for Exostoses, multiple, type 2. Last evaluated: 2023-09-04. Review status: criteria provided, single submitter. Criteria: Invitae Variant Classification Sherloc (09022015). Collection method: clinical testing. Allele origin: germline.
Comment: This variant is present in population databases (no rsID available, gnomAD 0.0009%). This sequence change replaces lysine, which is basic and polar, with glutamic acid, which is acidic and polar, at codon 103 of the EXT2 protein (p.Lys103Glu). This variant has not been reported in the literature in individuals affected with EXT2-related conditions. In summary, the available evidence is currently insufficient to determine the role of this variant in disease. Therefore, it has been classified as a Variant of Uncertain Significance. Advanced modeling of protein sequence and biophysical properties (such as structural, functional, and spatial information, amino acid conservation, physicochemical variation, residue mobility, and thermodynamic stability) performed at Invitae indicates that this missense variant is not expected to disrupt EXT2 protein function. ClinVar contains an entry for this variant (Variation ID: 1319284).

Institute for Clinical Genetics, University Hospital TU Dresden, University Hospital TU Dresden
Classification: Uncertain significance. Last evaluated: 2021-11-03. Review status: criteria provided, single submitter. Criteria: ACMG Guidelines, 2015. Collection method: clinical testing. Allele origin: germline.

NM_207122.2(EXT2):c.307A>G (p.Lys103Glu)

Gene: EXT2 (exostosin glycosyltransferase 2; plus strand). Cytogenetic location: 11p11.2.
Variant type: single nucleotide variant.
Coding change: c.307A>G on transcript NM_207122.2 (MANE Select); coding-DNA position 307, A replaced by G.
Protein change: p.Lys103Glu; replaces lysine 103 with glutamic acid.
Molecular consequence: missense variant.
Genome position (GRCh38, 1-based): chr11:44,108,019, A>G. VCF-style: chr11-44108019-A-G. GRCh37 (hg19) VCF-style: chr11-44129569-A-G.
Other names: c.406A>G, p.Lys136Glu (NM_000401.3); c.307A>G, p.Lys103Glu (NM_001178083.3, NM_001389628.1, NM_001389630.1); short protein forms K103E, K136E.
Identifiers: ClinVar variation 1319284 (VCV001319284.7), dbSNP rs907886635, ClinGen allele CA221453076.